The following is an entry in ClinVar:

ClinVar aggregate classification (germline): Uncertain significance (1 of 4 stars; one submission).

gnomAD v4.1: 5 of 1,613,194 alleles (0.00031%); highest among the groups gnomAD compares: East Asian, 0.011%; no homozygotes.

Submission:

Labcorp Genetics (formerly Invitae), Labcorp
Classification: Uncertain significance. Last evaluated: 2025-05-25. Review status: criteria provided, single submitter. Criteria: Invitae Variant Classification Sherloc (09022015). Collection method: clinical testing. Allele origin: germline.
Comment: This sequence change replaces serine, which is neutral and polar, with proline, which is neutral and non-polar, at codon 897 of the LRP5 protein (p.Ser897Pro). This variant is present in population databases (rs773036756, gnomAD 0.03%). This variant has not been reported in the literature in individuals affected with LRP5-related conditions. ClinVar contains an entry for this variant (Variation ID: 3619806). Invitae Evidence Modeling of protein sequence and biophysical properties (such as structural, functional, and spatial information, amino acid conservation, physicochemical variation, residue mobility, and thermodynamic stability) indicates that this missense variant is not expected to disrupt LRP5 protein function with a negative predictive value of 95%. In summary, the available evidence is currently insufficient to determine the role of this variant in disease. Therefore, it has been classified as a Variant of Uncertain Significance.

NM_002335.4(LRP5):c.2689T>C (p.Ser897Pro)

Gene: LRP5 (LDL receptor related protein 5; plus strand). Cytogenetic location: 11q13.2.
Variant type: single nucleotide variant.
Coding change: c.2689T>C on transcript NM_002335.4 (MANE Select); coding-DNA position 2689, T replaced by C.
Protein change: p.Ser897Pro; replaces serine 897 with proline.
Molecular consequence: missense variant.
Genome position (GRCh38, 1-based): chr11:68,413,874, T>C. VCF-style: chr11-68413874-T-C. GRCh37 (hg19) VCF-style: chr11-68181342-T-C.
Other names: c.946T>C, p.Ser316Pro (NM_001291902.2); short protein forms S316P, S897P.
Identifiers: ClinVar variation 3619806 (VCV003619806.2).